The following is an entry in ClinVar:

ClinVar aggregate classification (germline): Uncertain significance. Review status: criteria provided, multiple submitters, no conflicts (2 of 4 stars). 2 submissions from 2 submitters: Uncertain significance (2). Last evaluated 2024-05-17.

Conditions:
Wilson disease (WND). Also called: Wilson's disease. Identifiers: Orphanet 905, MedGen C0019202, MONDO:0010200, OMIM 277900. Disease mechanism: loss of function.

gnomAD v4.1: 2 of 1,614,258 alleles (0.00012%); highest among the groups gnomAD compares: East Asian, 0.0022%; no homozygotes.

Submissions (2):

Fulgent Genetics
Classification: Uncertain significance for Wilson disease. Last evaluated: 2024-05-17. Review status: criteria provided, single submitter. Criteria: ACMG Guidelines, 2015. Collection method: clinical testing. Allele origin: germline.

Color Diagnostics, LLC DBA Color Health
Classification: Uncertain significance for Wilson disease. Last evaluated: 2023-10-11. Review status: criteria provided, single submitter. Criteria: ACMG Guidelines, 2015. Collection method: clinical testing. Allele origin: germline.
Comment: This missense variant replaces isoleucine with serine at codon 408 of the ATP7B protein. Computational prediction suggests that this variant may not impact protein structure and function. To our knowledge, functional studies have not been reported for this variant. This variant has not been reported in individuals affected with ATP7B-related disorders in the literature. This variant has been identified in 1/249534 chromosomes in the general population by the Genome Aggregation Database (gnomAD). The available evidence is insufficient to determine the role of this variant in disease conclusively. Therefore, this variant is classified as a Variant of Uncertain Significance.

NM_000053.4(ATP7B):c.1223T>G (p.Ile408Ser)

Gene: ATP7B (ATPase copper transporting beta; minus strand). Cytogenetic location: 13q14.3.
Variant type: single nucleotide variant.
Coding change: c.1223T>G on transcript NM_000053.4 (MANE Select); coding-DNA position 1223, T replaced by G.
Protein change: p.Ile408Ser; replaces isoleucine 408 with serine.
Molecular consequence: missense variant.
Genome position (GRCh38, 1-based): chr13:51,973,997, A>C on the plus strand (T>G on the coding strand, the complement: ATP7B is on the minus strand). VCF-style: chr13-51973997-A-C. GRCh37 (hg19) VCF-style: chr13-52548133-A-C.
Other names: c.1223T>G, p.Ile408Ser (NM_001005918.3, NM_001330578.2, NM_001330579.2 and 29 more transcripts); c.890T>G, p.Ile297Ser (NM_001243182.2); c.1127T>G, p.Ile376Ser (NM_001406530.1, NM_001406517.1, NM_001406518.1 and 3 more transcripts); c.794T>G, p.Ile265Ser (NM_001406539.1); short protein forms I408S, I297S, I265S, I376S.
Identifiers: ClinVar variation 3576317 (VCV003576317.2).